The following is an entry in ClinVar:

ClinVar aggregate classification (germline): Uncertain significance (1 of 4 stars; one submission).

Conditions:
Hereditary cancer-predisposing syndrome. Also called: Neoplastic Syndromes, Hereditary; Tumor predisposition; Hereditary neoplastic syndrome; Hereditary Cancer Syndrome. Identifiers: Orphanet 140162, MedGen C0027672, MeSH D009386, MONDO:0015356.

Submission:

Ambry Genetics
Classification: Uncertain significance for Hereditary cancer-predisposing syndrome. Last evaluated: 2023-11-09. Review status: criteria provided, single submitter. Criteria: Ambry Variant Classification Scheme 2023. Collection method: clinical testing. Allele origin: germline.
Comment: The p.T121I variant (also known as c.362C>T), located in coding exon 3 of the SUFU gene, results from a C to T substitution at nucleotide position 362. The threonine at codon 121 is replaced by isoleucine, an amino acid with similar properties. This amino acid position is conserved. In addition, this alteration is predicted to be deleterious by in silico analysis. Since supporting evidence is limited at this time, the clinical significance of this alteration remains unclear.

NM_016169.4(SUFU):c.362C>T (p.Thr121Ile)

Gene: SUFU (SUFU negative regulator of hedgehog signaling; plus strand). Cytogenetic location: 10q24.32.
Variant type: single nucleotide variant.
Coding change: c.362C>T on transcript NM_016169.4 (MANE Select); coding-DNA position 362, C replaced by T.
Protein change: p.Thr121Ile; replaces threonine 121 with isoleucine.
Molecular consequence: missense variant.
Genome position (GRCh38, 1-based): chr10:102,550,014, C>T. VCF-style: chr10-102550014-C-T. GRCh37 (hg19) VCF-style: chr10-104309771-C-T.
Other names: c.362C>T, p.Thr121Ile (NM_001178133.2); short protein forms T121I.
Identifiers: ClinVar variation 3226881 (VCV003226881.1), dbSNP rs2135743157, ClinGen allele CA377903215.